The following is an entry in ClinVar:

NM_005022.4(PFN1):c.399C>T (p.Ser133=)

Gene: PFN1 (profilin 1; minus strand). Cytogenetic location: 17p13.2.
Variant type: single nucleotide variant.
Coding change: c.399C>T on transcript NM_005022.4 (MANE Select); coding-DNA position 399, C replaced by T.
Protein change: p.Ser133=; no amino-acid change (serine 133 retained).
Molecular consequence: synonymous variant. On other transcripts: 3 prime UTR variant (1).
Genome position (GRCh38, 1-based): chr17:4,945,924, G>A on the plus strand (C>T on the coding strand, the complement: PFN1 is on the minus strand). VCF-style: chr17-4945924-G-A. GRCh37 (hg19) VCF-style: chr17-4849219-G-A.
Other names: c.399C>T (NM_005022.3); c.*483C>T (NM_001375991.1).
Identifiers: ClinVar variation 1167768 (VCV001167768.12), dbSNP rs145109002, ClinGen allele CA8315892.

ClinVar aggregate classification (germline): Benign/Likely benign. Review status: criteria provided, multiple submitters, no conflicts (2 of 4 stars). 3 submissions from 3 submitters: Benign (1); Likely benign (1). 1 of the submissions does not count toward it. Last evaluated 2025-10-04.

Conditions:
PFN1-related disorder. Also called: PFN1-related condition.

Allele frequency attached by ClinVar (database versions not stated): ESP Exome Variant Server 0.00008; TOPMed 0.00014; gnomAD exomes 0.00016 and 0.00021; gnomAD 0.00019 and 0.00022; ExAC 0.00020.

Submissions (3):

Labcorp Genetics (formerly Invitae), Labcorp
Classification: Benign. Last evaluated: 2025-10-04. Review status: criteria provided, single submitter. Criteria: Invitae Variant Classification Sherloc (09022015). Collection method: clinical testing. Allele origin: germline.

Laboratory of Genetics, Children's Clinical University Hospital Latvia
Classification: Likely benign. Last evaluated: 2025-02-16. Review status: criteria provided, single submitter. Criteria: ACMG Guidelines, 2015. Collection method: clinical testing. Allele origin: germline. Affected: yes.

PreventionGenetics, part of Exact Sciences
Classification: Likely benign for PFN1-related condition. Last evaluated: 2023-04-18. Review status: no assertion criteria provided. Collection method: clinical testing. Allele origin: germline. Not counted in ClinVar's aggregate classification.
Comment: This variant is classified as likely benign based on ACMG/AMP sequence variant interpretation guidelines (Richards et al. 2015 PMID: 25741868, with internal and published modifications).